The following is an entry in ClinVar:

NM_000533.5(PLP1):c.680T>A (p.Ile227Asn)

Genes: RAB9B (RAB9B, member RAS oncogene family; minus strand), PLP1 (proteolipid protein 1; plus strand). Cytogenetic location: Xq22.2.
Variant type: single nucleotide variant.
Coding change: c.680T>A on transcript NM_000533.5 (MANE Select); coding-DNA position 680, T replaced by A.
Protein change: p.Ile227Asn; replaces isoleucine 227 with asparagine.
Molecular consequence: missense variant.
Genome position (GRCh38, 1-based): chrX:103,788,494, T>A. VCF-style: chrX-103788494-T-A. GRCh37 (hg19) VCF-style: chrX-103043423-T-A.
Other names: c.680T>A, p.Ile227Asn (NM_001128834.3); c.515T>A, p.Ile172Asn (NM_001305004.1); c.575T>A, p.Ile192Asn (NM_199478.3); short protein forms I172N, I227N, I192N.
Identifiers: ClinVar variation 2112609 (VCV002112609.4), dbSNP rs2522318351, ClinGen allele CA414104398.

ClinVar aggregate classification (germline): Uncertain significance (1 of 4 stars; one submission).

Conditions:
Hereditary spastic paraplegia 2 (SPG2). Also called: SPASTIC PARAPLEGIA 2, X-LINKED; Spastic Paraplegia 2 (SPG2). Identifiers: Orphanet 99015, MedGen C0751604, MONDO:0010733, OMIM 312920.

Submission:

Labcorp Genetics (formerly Invitae), Labcorp
Classification: Uncertain significance for Hereditary spastic paraplegia 2. Last evaluated: 2022-04-10. Review status: criteria provided, single submitter. Criteria: Invitae Variant Classification Sherloc (09022015). Collection method: clinical testing. Allele origin: germline.
Comment: This sequence change replaces isoleucine, which is neutral and non-polar, with asparagine, which is neutral and polar, at codon 227 of the PLP1 protein (p.Ile227Asn). This variant is not present in population databases (gnomAD no frequency). This variant has not been reported in the literature in individuals affected with PLP1-related conditions. Algorithms developed to predict the effect of missense changes on protein structure and function are either unavailable or do not agree on the potential impact of this missense change (SIFT: "Not Available"; PolyPhen-2: "Possibly Damaging"; Align-GVGD: "Not Available"). In summary, the available evidence is currently insufficient to determine the role of this variant in disease. Therefore, it has been classified as a Variant of Uncertain Significance.